The following is an entry in ClinVar:

NM_004380.3(CREBBP):c.6043dup (p.Ser2015fs)

Gene: CREBBP (CREB binding protein; minus strand). Cytogenetic location: 16p13.3.
Variant type: Duplication.
Coding change: c.6043dup on transcript NM_004380.3 (MANE Select); coding-DNA position 6043, one base duplicated (A; older notation c.6043dupA).
Protein change: p.Ser2015fs; shifts the reading frame from serine 2015.
Molecular consequence: frameshift variant.
Genome position (GRCh38, 1-based): chr16:3,729,004, T duplicated on the plus strand (A on the coding strand, the reverse complement: CREBBP is on the minus strand). VCF-style (leftmost placement, unchanged base first): chr16-3729003-C-CT. GRCh37 (hg19) VCF-style: chr16-3779004-C-CT.
Other names: c.5929dup, p.Ser1977fs (NM_001079846.1); short protein forms S1977fs, S2015fs.
Identifiers: ClinVar variation 1684506 (VCV001684506.1), dbSNP rs2151306514, ClinGen allele CA2573152059.
Genomic context (GRCh38, chr16:3,729,003, plus strand): 5'-AAGCCTGGCATGGGCTGCTGCTGGGGAAGGGGCGCCTGCTGCCACTGCCCGGGAGGCATG[C>CT]TGGGCATGACGGGCCCGCTCACCTGGTTGGGTCGGGGCACATTCAGGCTCACGGGGGCCA-3'

ClinVar aggregate classification (germline): Pathogenic (1 of 4 stars; one submission).

Conditions:
Menke-Hennekam syndrome 1 (MKHK1). Identifiers: MedGen C5193034, MONDO:0020763, OMIM 618332.

Submission:

HudsonAlpha Institute for Biotechnology
Classification: Pathogenic for Menke-Hennekam syndrome 1. Last evaluated: 2021-12-14. Review status: criteria provided, single submitter. Criteria: ACMG Guidelines, 2015. Collection method: research. Allele origin: de novo. Affected: yes. Observed: 1 variant allele. Study: HudsonAlpha-AGHI-WGS.
Comment: ACMG codes: PVS1,PS2,PM2